The following is an entry in ClinVar:

NM_001267550.2(TTN):c.54190+1G>T

Genes: TTN (titin; minus strand), TTN-AS1 (TTN antisense RNA 1; plus strand). Cytogenetic location: 2q31.2.
Variant type: single nucleotide variant.
Coding change: c.54190+1G>T on transcript NM_001267550.2 (MANE Select); the canonical splice donor site of the intron after coding-DNA position 54190, G replaced by T.
Molecular consequence: splice donor variant. On other transcripts: non-coding transcript variant (1).
Genome position (GRCh38, 1-based): chr2:178,604,986, C>A on the plus strand (G>T on the coding strand, the complement: TTN is on the minus strand). VCF-style: chr2-178604986-C-A. GRCh37 (hg19) VCF-style: chr2-179469713-C-A.
Other names: c.26995+1G>T (NM_003319.4); c.27571+1G>T (NM_133437.4); c.27370+1G>T (NM_133432.3); c.46486+1G>T (NM_133378.4); c.49267+1G>T (NM_001256850.1).
Identifiers: ClinVar variation 2954061 (VCV002954061.3), dbSNP rs756339648, ClinGen allele CA349555277.

ClinVar aggregate classification (germline): Pathogenic (1 of 4 stars; one submission).

Conditions:
Autosomal recessive limb-girdle muscular dystrophy type 2J (LGMDR10). Also called: Limb-girdle muscular dystrophy, type 2J; MUSCULAR DYSTROPHY, LIMB-GIRDLE, AUTOSOMAL RECESSIVE 10. Identifiers: Orphanet 140922, MedGen C1837342, MONDO:0012127, OMIM 608807.
Dilated cardiomyopathy 1G (CMD1G). Identifiers: Orphanet 154, MedGen C1858763, MONDO:0011400, OMIM 604145.

Submission:

Labcorp Genetics (formerly Invitae), Labcorp
Classification: Pathogenic for Dilated cardiomyopathy 1G; Autosomal recessive limb-girdle muscular dystrophy type 2J. Last evaluated: 2023-11-20. Review status: criteria provided, single submitter. Criteria: Invitae Variant Classification Sherloc (09022015). Collection method: clinical testing. Allele origin: germline.
Comment: This sequence change affects a donor splice site in intron 280 of the TTN gene. It is expected to disrupt RNA splicing and likely results in a truncated or disrupted TTN protein. This variant is not present in population databases (gnomAD no frequency). Disruption of this splice site has been observed in individuals with centronuclear myopathy and/or clinical features of dilated cardiomyopathy (PMID: 32778822, 32964742; Invitae). Algorithms developed to predict the effect of sequence changes on RNA splicing suggest that this variant may disrupt the consensus splice site. This variant is located in the A band of TTN (PMID: 25589632). Truncating variants in this region are significantly overrepresented in patients affected with dilated cardiomyopathy (PMID: 25589632). Truncating variants in this region have also been reported in individuals affected with autosomal recessive centronuclear myopathy (PMID: 23975875). For these reasons, this variant has been classified as Pathogenic.

Literature cited by the submitters: PubMed 32778822; PubMed 32964742; PubMed 25589632; PubMed 23975875.